The following is an entry in ClinVar:

ClinVar aggregate classification (germline): Uncertain significance (1 of 4 stars; one submission).

Allele frequency attached by ClinVar (database versions not stated): gnomAD exomes 0.00002; TOPMed 0.00002; gnomAD 0.00003 and 0.00004.
gnomAD v4.1: 29 of 1,613,928 alleles (0.0018%); highest among the groups gnomAD compares: African/African-American, 0.0053%; no homozygotes.

Submission:

Labcorp Genetics (formerly Invitae), Labcorp
Classification: Uncertain significance. Last evaluated: 2021-08-26. Review status: criteria provided, single submitter. Criteria: Invitae Variant Classification Sherloc (09022015). Collection method: clinical testing. Allele origin: germline.
Comment: This sequence change replaces isoleucine with methionine at codon 119 of the TUBGCP4 protein (p.Ile119Met). The isoleucine residue is moderately conserved and there is a small physicochemical difference between isoleucine and methionine. This variant is not present in population databases (ExAC no frequency). This variant has not been reported in the literature in individuals affected with TUBGCP4-related conditions. Algorithms developed to predict the effect of missense changes on protein structure and function are either unavailable or do not agree on the potential impact of this missense change (SIFT: "Tolerated"; PolyPhen-2: "Possibly Damaging"; Align-GVGD: "Class C0"). In summary, the available evidence is currently insufficient to determine the role of this variant in disease. Therefore, it has been classified as a Variant of Uncertain Significance.

NM_014444.5(TUBGCP4):c.357A>G (p.Ile119Met)

Gene: TUBGCP4 (tubulin gamma complex component 4; plus strand). Cytogenetic location: 15q15.3.
Variant type: single nucleotide variant.
Coding change: c.357A>G on transcript NM_014444.5 (MANE Select); coding-DNA position 357, A replaced by G.
Protein change: p.Ile119Met; replaces isoleucine 119 with methionine.
Molecular consequence: missense variant.
Genome position (GRCh38, 1-based): chr15:43,377,040, A>G. VCF-style: chr15-43377040-A-G. GRCh37 (hg19) VCF-style: chr15-43669238-A-G.
Other names: c.357A>G, p.Ile119Met (NM_001286414.3); short protein forms I119M.
Identifiers: ClinVar variation 971756 (VCV000971756.7), dbSNP rs1033314884, ClinGen allele CA269985294.